The following is an entry in ClinVar:

ClinVar aggregate classification (germline): Uncertain significance (1 of 4 stars; one submission).

Submission:

Ambry Genetics
Classification: Uncertain significance. Last evaluated: 2025-02-22. Review status: criteria provided, single submitter. Criteria: Ambry Variant Classification Scheme 2023. Collection method: clinical testing. Allele origin: germline.
Comment: The p.S79L variant (also known as c.236C>T), located in coding exon 3 of the RAD51B gene, results from a C to T substitution at nucleotide position 236. The serine at codon 79 is replaced by leucine, an amino acid with dissimilar properties. This amino acid position is conserved. In addition, this alteration is predicted to be tolerated by in silico analysis. Based on the available evidence, the clinical significance of this variant remains unclear.

NM_133510.4(RAD51B):c.236C>T (p.Ser79Leu)

Gene: RAD51B (RAD51 paralog B; plus strand). Cytogenetic location: 14q24.1.
Variant type: single nucleotide variant.
Coding change: c.236C>T on transcript NM_133510.4 (MANE Select); coding-DNA position 236, C replaced by T.
Protein change: p.Ser79Leu; replaces serine 79 with leucine.
Molecular consequence: missense variant. On other transcripts: 5 prime UTR variant (1).
Genome position (GRCh38, 1-based): chr14:67,835,117, C>T. VCF-style: chr14-67835117-C-T. GRCh37 (hg19) VCF-style: chr14-68301834-C-T.
Other names: c.236C>T, p.Ser79Leu (NM_001321809.2, NM_001321810.2, NM_001321812.1 and 6 more transcripts); c.122C>T, p.Ser41Leu (NM_001321815.1); c.-220C>T (NM_001321817.2); short protein forms S79L, S41L.
Identifiers: ClinVar variation 3786460 (VCV003786460.1).